The following is an entry in ClinVar:

NM_000132.4(F8):c.5999-11G>A

Gene: F8 (coagulation factor VIII; minus strand). Cytogenetic location: Xq28.
Variant type: single nucleotide variant.
Coding change: c.5999-11G>A on transcript NM_000132.4 (MANE Select); 11 bases into the intron before coding-DNA position 5999, G replaced by A.
Molecular consequence: intron variant.
Genome position (GRCh38, 1-based): chrX:154,902,178, C>T on the plus strand (G>A on the coding strand, the complement: F8 is on the minus strand). VCF-style: chrX-154902178-C-T. GRCh37 (hg19) VCF-style: chrX-154130453-C-T.
Other names: p.?; c.5999-11G>A (NM_000132.3).
Identifiers: ClinVar variation 1685784 (VCV001685784.6), dbSNP rs782132907, ClinGen allele CA10567916.

ClinVar aggregate classification (germline): Conflicting classifications of pathogenicity. Review status: criteria provided, conflicting classifications (1 of 4 stars). 4 submissions from 4 submitters: Pathogenic (1); Likely pathogenic (1); Uncertain significance (1); Benign (1). Last evaluated 2025-01-14.

Conditions:
Thrombophilia, X-linked, due to factor 8 defect. Also called: THROMBOPHILIA, X-LINKED, DUE TO FACTOR VIII DEFECT; Thrombophilia 13, X-linked, due to factor VIII defect. Identifiers: MedGen C5676879, MONDO:0859082, OMIM 301071.
Hereditary factor VIII deficiency disease (HEMA). Also called: HEMOPHILIA, CLASSIC; AUTOSOMAL HEMOPHILIA A; Hemophilia A; Hemophilia A, congenital; HEM A; Factor 8 deficiency, congenital. Identifiers: Orphanet 98878, MedGen C0019069, MONDO:0010602, OMIM 306700.

Allele frequency attached by ClinVar (database versions not stated): gnomAD 0.00002 and 0.00008; TOPMed 0.00003; gnomAD exomes 0.00012 and 0.00017; ExAC 0.00017.
gnomAD v4.1: 130 of 1,090,628 alleles (0.012%); highest among the groups gnomAD compares: South Asian, 0.2%; no homozygotes.

Submissions (4):

Mayo Clinic Laboratories, Mayo Clinic
Classification: Benign. Last evaluated: 2025-01-14. Review status: criteria provided, single submitter. Criteria: ACMG Guidelines, 2015. Collection method: clinical testing. Allele origin: germline. Observed: 1 variant allele.
Comment: BS1, BS2, BP4, BP7

ARUP Laboratories, Molecular Genetics and Genomics, ARUP Laboratories
Classification: Uncertain significance. Last evaluated: 2022-08-31. Review status: criteria provided, single submitter. Criteria: ARUP Molecular Germline Variant Investigation Process 2021. Collection method: clinical testing. Allele origin: germline.
Comment: The F8 c.5999-11G>A variant (rs782132907) is reported in the literature in an individual affected with mild hemophilia A (Khanum 2014). This variant is also reported in ClinVar (Variation ID: 1685784), and is found in the South Asian population with an allele frequency of 0.13% (25/19071 alleles, including 15 hemizygotes) in the Genome Aggregation Database. This is an intronic variant in a weakly conserved nucleotide, but computational analyses (Alamut v.1.5.1) predict that this variant may impact splicing by weakening the nearby canonical acceptor splice site. However, without functional studies the effect on splicing is unknown. Given the lack of clinical and functional data, the significance of this variant is uncertain at this time. References: Khanum F et al. Characterization of F8 defects in haemophilia A in Pakistan: investigation of correlation between mutation type and the in vitro thrombin generation assay. Haemophilia. 2014 Mar;20(2):287-93. PMID: 24118398.

Mendelics
Classification: Pathogenic for Thrombophilia, X-linked, due to factor 8 defect. Last evaluated: 2022-05-04. Review status: criteria provided, single submitter. Criteria: Mendelics Assertion Criteria 2019. Collection method: clinical testing. Allele origin: germline.

Lifecell International Pvt. Ltd
Classification: Likely pathogenic for Hereditary factor VIII deficiency disease. Review status: criteria provided, single submitter. Criteria: ACMG Guidelines, 2015. Collection method: clinical testing. Allele origin: germline. Inheritance: X-linked recessive inheritance. Affected: yes. Observed: 1 compound heterozygote.
Comment: A Heterozygous Intron variant c.5999-11G>A in Exon 18 of the F8 gene that results in the amino acid substitution was identified. The observed variant has a maximum allele frequency of 0.00017/0.00009% in gnomAD exomes and genomes, respectively. The severity of the impact of this variant on the protein is low, based on the effect of the protein and REVEL score . Rare Exome Variant Ensemble Learner (REVEL) is an ensembl method for predicting the pathogenicity of missense variants based on a combination of scores from 13 individual tools: MutPred, FATHMM v2.3, VEST 3.0, PolyPhen-2, SIFT, PROVEAN, MutationAssessor, MutationTaster, LRT, GERP++, SiPhy, phyloP, and phastCons. The REVEL score for an individual missense variant can range from 0 to 1, with higher scores reflecting greater likelihood that the variant is disease-causing. ClinVar has also classified this variant as Pathogenic [Variation ID: 1685784]. The observed variation has been reported previously in patients affected with Hemophilia A (Azadmehr S, et.al., 2021). For these reasons, this variant has been classified as Likely Pathogenic.

Literature cited by the submitters: PubMed 24118398 (cited by Mayo Clinic Laboratories, Mayo Clinic); PubMed 37647632 (cited by Mayo Clinic Laboratories, Mayo Clinic); PubMed 35014236 (cited by Lifecell International Pvt. Ltd).